The following is an entry in ClinVar:

NM_004168.4(SDHA):c.621G>A (p.Arg207=)

Gene: SDHA (succinate dehydrogenase complex flavoprotein subunit A; plus strand). Cytogenetic location: 5p15.33.
Variant type: single nucleotide variant.
Coding change: c.621G>A on transcript NM_004168.4 (MANE Select); coding-DNA position 621, G replaced by A.
Protein change: p.Arg207=; no amino-acid change (arginine 207 retained).
Molecular consequence: synonymous variant.
Genome position (GRCh38, 1-based): chr5:226,047, G>A. VCF-style: chr5-226047-G-A. GRCh37 (hg19) VCF-style: chr5-226162-G-A.
Other names: c.621G>A (NM_004168.2); c.477G>A, p.Arg159= (NM_001294332.2); c.621G>A, p.Arg207= (NM_001330758.2).
Identifiers: ClinVar variation 1406509 (VCV001406509.7), dbSNP rs2126550683, ClinGen allele CA442691190.
Genomic context (GRCh38, chr5:226,047, plus strand): 5'-TCGGTGCTGCTGTGTGGCTGATCGGACTGGCCACTCGCTATTGCACACCTTATATGGAAG[G>A]GTAAGGCCGCCCCCGTCCACCTGAGACAGGACACGTAGTGCTGGGGCTTATGGTGACAGT-3'
Protein context (NP_004159.2, residues 197-217): GHSLLHTLYG[Arg207=]SLRYDTSYFV

ClinVar aggregate classification (germline): Conflicting classifications of pathogenicity. Review status: criteria provided, conflicting classifications (1 of 4 stars). 2 submissions from 2 submitters: Uncertain significance (1); Likely benign (1). Last evaluated 2026-07-13.

Conditions:
Mitochondrial complex II deficiency, nuclear type 1. Also called: SUCCINATE CoQ REDUCTASE DEFICIENCY. Identifiers: Orphanet 3208, MedGen C5700310, MONDO:0100294, OMIM 252011.
Pheochromocytoma/paraganglioma syndrome 5. Also called: Paragangliomas 5; SDHA-Related Hereditary Paraganglioma-Pheochromocytoma Syndrome. Identifiers: Orphanet 29072, MedGen C3279992, MONDO:0013602, OMIM 614165.
Hereditary cancer-predisposing syndrome. Also called: Hereditary Cancer Syndrome; Neoplastic Syndromes, Hereditary; Hereditary neoplastic syndrome; Tumor predisposition. Identifiers: Orphanet 140162, MedGen C0027672, MeSH D009386, MONDO:0015356.

Submissions (2):

Ambry Genetics
Classification: Likely benign for Hereditary cancer-predisposing syndrome. Last evaluated: 2026-07-13. Review status: criteria provided, single submitter. Criteria: Ambry Variant Classification Scheme 2023. Collection method: clinical testing. Allele origin: germline.

Labcorp Genetics (formerly Invitae), Labcorp
Classification: Uncertain significance for Pheochromocytoma/paraganglioma syndrome 5; Mitochondrial complex II deficiency, nuclear type 1. Last evaluated: 2024-12-04. Review status: criteria provided, single submitter. Criteria: Invitae Variant Classification Sherloc (09022015). Collection method: clinical testing. Allele origin: germline.
Comment: This sequence change affects codon 207 of the SDHA mRNA. It is a 'silent' change, meaning that it does not change the encoded amino acid sequence of the SDHA protein. This variant also falls at the last nucleotide of exon 5, which is part of the consensus splice site for this exon. This variant is not present in population databases (gnomAD no frequency). This variant has not been reported in the literature in individuals affected with SDHA-related conditions. ClinVar contains an entry for this variant (Variation ID: 1406509). Variants that disrupt the consensus splice site are a relatively common cause of aberrant splicing (PMID: 17576681, 9536098). Algorithms developed to predict the effect of sequence changes on RNA splicing suggest that this variant is not likely to affect RNA splicing. In summary, the available evidence is currently insufficient to determine the role of this variant in disease. Therefore, it has been classified as a Variant of Uncertain Significance.

Literature cited by the submitters: PubMed 17576681 (cited by Labcorp Genetics (formerly Invitae), Labcorp); PubMed 9536098 (cited by Labcorp Genetics (formerly Invitae), Labcorp).